The following is an entry in ClinVar:

ClinVar aggregate classification (germline): Uncertain significance (1 of 4 stars; one submission).

gnomAD v4.1: 1 of 1,614,188 alleles (0.000062%); no homozygotes.

Submission:

Women's Health and Genetics/Laboratory Corporation of America, LabCorp
Classification: Uncertain significance. Last evaluated: 2025-10-07. Review status: criteria provided, single submitter. Criteria: LabCorp Variant Classification Summary - May 2015. Collection method: clinical testing. Allele origin: germline.
Comment: Variant summary: EXT1 c.932G>T (p.Arg311Leu) results in a non-conservative amino acid change in the encoded protein sequence. Algorithms developed to predict the effect of missense changes on protein structure and function all suggest that this variant is likely to be disruptive. The variant was absent in 251474 control chromosomes. The available data on variant occurrences in the general population are insufficient to allow any conclusion about variant significance. To our knowledge, no occurrence of c.932G>T in individuals affected with EXT1-related conditions and no experimental evidence demonstrating its impact on protein function have been reported. No submitters have cited clinical-significance assessments for this variant to ClinVar. Based on the evidence outlined above, the variant was classified as uncertain significance.

NM_000127.3(EXT1):c.932G>T (p.Arg311Leu)

Gene: EXT1 (exostosin glycosyltransferase 1; minus strand). Cytogenetic location: 8q24.11.
Variant type: single nucleotide variant.
Coding change: c.932G>T on transcript NM_000127.3 (MANE Select); coding-DNA position 932, G replaced by T.
Protein change: p.Arg311Leu; replaces arginine 311 with leucine.
Molecular consequence: missense variant.
Genome position (GRCh38, 1-based): chr8:118,110,115, C>A on the plus strand (G>T on the coding strand, the complement: EXT1 is on the minus strand). VCF-style: chr8-118110115-C-A. GRCh37 (hg19) VCF-style: chr8-119122354-C-A.
Other names: short protein forms R311L.
Identifiers: ClinVar variation 4687518 (VCV004687518.1).
Genomic context (GRCh38, chr8:118,110,115, plus strand): 5'-TCCCAAAGACACGCCAGCCCAGACACTTACTTCTCATACTCGGTGTTGTCTCTGTCACAG[C>A]GAGAATCCTTGTGCTTTTGCCAGTCTTTGCCATGCTTGCAGGTGGTGAGGAGCACAACGT-3'
Protein context (NP_000118.2, residues 301-321): GKDWQKHKDS[Arg311Leu]CDRDNTEYEK